The following is an entry in ClinVar:

ClinVar aggregate classification (germline): Uncertain significance (1 of 4 stars; one submission).

Conditions:
Idiopathic Pulmonary Fibrosis. Also called: Idiopathic fibrosing alveolitis, chronic form; idiopathic fibrosing alveolitis. Identifiers: Orphanet 2032, MedGen C1800706, MeSH D054990, MONDO:0800504.
Dyskeratosis congenita, autosomal dominant 2. Identifiers: MedGen C3151443, MONDO:0013521, OMIM 613989.

Allele frequency attached by ClinVar (database versions not stated): gnomAD exomes below 0.00001; ExAC 0.00001.
gnomAD v4.1: 1 of 1,612,900 alleles (0.000062%); highest among the groups gnomAD compares: Non-Finnish European, 0.000085%; no homozygotes.

Submission:

Labcorp Genetics (formerly Invitae), Labcorp
Classification: Uncertain significance for Dyskeratosis congenita, autosomal dominant 2; Idiopathic Pulmonary Fibrosis. Last evaluated: 2023-10-03. Review status: criteria provided, single submitter. Criteria: Invitae Variant Classification Sherloc (09022015). Collection method: clinical testing. Allele origin: germline.
Comment: This sequence change affects a donor splice site in intron 15 of the TERT gene. While this variant is not anticipated to result in nonsense mediated decay, it likely alters RNA splicing and results in a disrupted protein product. This variant is present in population databases (rs772535861, gnomAD 0.0009%). This variant has not been reported in the literature in individuals affected with TERT-related conditions. ClinVar contains an entry for this variant (Variation ID: 1995679). Variants that disrupt the consensus splice site are a relatively common cause of aberrant splicing (PMID: 17576681, 9536098). Algorithms developed to predict the effect of sequence changes on RNA splicing suggest that this variant may disrupt the consensus splice site. In summary, the available evidence is currently insufficient to determine the role of this variant in disease. Therefore, it has been classified as a Variant of Uncertain Significance.

Literature cited by the submitters: PubMed 17576681; PubMed 9536098.

NM_198253.3(TERT):c.3295+1G>A

Gene: TERT (telomerase reverse transcriptase; minus strand). Cytogenetic location: 5p15.33.
Variant type: single nucleotide variant.
Coding change: c.3295+1G>A on transcript NM_198253.3 (MANE Select); the canonical splice donor site of the intron after coding-DNA position 3295, G replaced by A.
Molecular consequence: splice donor variant.
Genome position (GRCh38, 1-based): chr5:1,254,367, C>T on the plus strand (G>A on the coding strand, the complement: TERT is on the minus strand). VCF-style: chr5-1254367-C-T. GRCh37 (hg19) VCF-style: chr5-1254482-C-T.
Other names: c.3106+1G>A (NM_001193376.3).
Identifiers: ClinVar variation 1995679 (VCV001995679.4), dbSNP rs772535861, ClinGen allele CA3184237.